The following is an entry in ClinVar:

NM_001329943.3(KIAA0586):c.2648G>A (p.Cys883Tyr)

Gene: KIAA0586 (KIAA0586; plus strand). Cytogenetic location: 14q23.1.
Variant type: single nucleotide variant.
Coding change: c.2648G>A on transcript NM_001329943.3 (MANE Select); coding-DNA position 2648, G replaced by A.
Protein change: p.Cys883Tyr; replaces cysteine 883 with tyrosine.
Molecular consequence: missense variant.
Genome position (GRCh38, 1-based): chr14:58,474,620, G>A. VCF-style: chr14-58474620-G-A. GRCh37 (hg19) VCF-style: chr14-58941338-G-A.
Other names: c.2807G>A, p.Cys936Tyr (NM_001244189.2); c.2603G>A, p.Cys868Tyr (NM_001244190.2); c.2393G>A, p.Cys798Tyr (NM_001244191.2, NM_001329945.2, NM_001364700.1 and 1 more transcripts); c.2516G>A, p.Cys839Tyr (NM_001244192.2); c.2228G>A, p.Cys743Tyr (NM_001244193.2); c.2648G>A, p.Cys883Tyr (NM_001329944.2, NM_001329946.2, NM_001329947.2); c.2420G>A, p.Cys807Tyr (NM_014749.5); short protein forms C839Y, C798Y, C807Y, C883Y, C743Y, C868Y, C936Y.
Identifiers: ClinVar variation 4788695 (VCV004788695.1).

ClinVar aggregate classification (germline): Uncertain significance (1 of 4 stars; one submission).

Conditions:
Short-rib thoracic dysplasia 14 with polydactyly (SRTD14). Identifiers: Orphanet 397715, MedGen C4225286, MONDO:0014688, OMIM 616546.
Joubert syndrome 23 (JBTS23). Identifiers: Orphanet 475, MedGen C4084822, MONDO:0014664, OMIM 616490.

Submission:

Labcorp Genetics (formerly Invitae), Labcorp
Classification: Uncertain significance for Joubert syndrome 23; Short-rib thoracic dysplasia 14 with polydactyly. Last evaluated: 2025-02-04. Review status: criteria provided, single submitter. Criteria: Invitae Variant Classification Sherloc (09022015). Collection method: clinical testing. Allele origin: germline.
Comment: This sequence change replaces cysteine, which is neutral and slightly polar, with tyrosine, which is neutral and polar, at codon 936 of the KIAA0586 protein (p.Cys936Tyr). This variant is not present in population databases (gnomAD no frequency). This variant has not been reported in the literature in individuals affected with KIAA0586-related conditions. Invitae Evidence Modeling of protein sequence and biophysical properties (such as structural, functional, and spatial information, amino acid conservation, physicochemical variation, residue mobility, and thermodynamic stability) indicates that this missense variant is not expected to disrupt KIAA0586 protein function with a negative predictive value of 80%. In summary, the available evidence is currently insufficient to determine the role of this variant in disease. Therefore, it has been classified as a Variant of Uncertain Significance.